The following is an entry in ClinVar:

NM_000059.4(BRCA2):c.1351A>G (p.Ser451Gly)

Gene: BRCA2 (BRCA2 DNA repair associated; plus strand). Cytogenetic location: 13q13.1.
Variant type: single nucleotide variant.
Coding change: c.1351A>G on transcript NM_000059.4 (MANE Select); coding-DNA position 1351, A replaced by G.
Protein change: p.Ser451Gly; replaces serine 451 with glycine.
Molecular consequence: missense variant.
Genome position (GRCh38, 1-based): chr13:32,332,829, A>G. VCF-style: chr13-32332829-A-G. GRCh37 (hg19) VCF-style: chr13-32906966-A-G.
Other names: p.S451G:AGC>GGC; short protein forms S451G.
Identifiers: ClinVar variation 182184 (VCV000182184.16), dbSNP rs730881510, ClinGen allele CA011700.
Genomic context (GRCh38, chr13:32,332,829, plus strand): 5'-ACAGAGAACAAAAGAAAGAAAGATTTTCTTACTTCAGAGAATTCTTTGCCACGTATTTCT[A>G]GCCTACCAAAATCAGAGAAGCCATTAAATGAGGAAACAGTGGTAAATAAGAGAGATGAAG-3'
Protein context (NP_000050.3, residues 441-461): TSENSLPRIS[Ser451Gly]LPKSEKPLNE

ClinVar aggregate classification (germline): Conflicting classifications of pathogenicity. Review status: criteria provided, conflicting classifications (1 of 4 stars). 4 submissions from 4 submitters: Uncertain significance (3); Likely benign (1). Last evaluated 2025-11-11.

Conditions:
Hereditary cancer-predisposing syndrome. Also called: Tumor predisposition; Hereditary Cancer Syndrome; Hereditary neoplastic syndrome; Neoplastic Syndromes, Hereditary. Identifiers: Orphanet 140162, MedGen C0027672, MeSH D009386, MONDO:0015356.
Hereditary breast ovarian cancer syndrome. Also called: Breast and ovarian cancer; Hereditary breast and ovarian cancer; Hereditary breast and/or ovarian cancer syndrome; BRCA1- and BRCA2-Associated Hereditary Breast and Ovarian Cancer; Hereditary breast and ovarian cancer syndrome (HBOC); Hereditary breast and ovarian cancer syndrome. Identifiers: Orphanet 145, MedGen C0677776, MeSH D061325, MONDO:0003582. Disease mechanism: loss of function.

Allele frequency attached by ClinVar (database versions not stated): gnomAD exomes below 0.00001.

Submissions (4):

Ambry Genetics
Classification: Uncertain significance for Hereditary cancer-predisposing syndrome. Last evaluated: 2025-11-11. Review status: criteria provided, single submitter. Criteria: Ambry Variant Classification Scheme 2023. Collection method: clinical testing. Allele origin: germline.
Comment: The p.S451G variant (also known as c.1351A>G), located in coding exon 9 of the BRCA2 gene, results from an A to G substitution at nucleotide position 1351. The serine at codon 451 is replaced by glycine, an amino acid with similar properties. This amino acid position is poorly conserved in available vertebrate species. In addition, this alteration is predicted to be tolerated by in silico analysis. Since supporting evidence is limited at this time, the clinical significance of this alteration remains unclear.

University of Washington Department of Laboratory Medicine, University of Washington
Classification: Likely benign for Hereditary cancer-predisposing syndrome. Last evaluated: 2023-03-23. Review status: criteria provided, single submitter. Criteria: Dines et al. (Genet Med. 2020). Collection method: curation. Allele origin: germline.
Comment: Missense variant in a coldspot region where missense variants are very unlikely to be pathogenic (PMID:31911673).

BRCA2 exon 10 coldspot. Reclassification based on statistical prior probability.

Labcorp Genetics (formerly Invitae), Labcorp
Classification: Uncertain significance for Hereditary breast ovarian cancer syndrome. Last evaluated: 2022-09-17. Review status: criteria provided, single submitter. Criteria: Invitae Variant Classification Sherloc (09022015). Collection method: clinical testing. Allele origin: germline.
Comment: In summary, the available evidence is currently insufficient to determine the role of this variant in disease. Therefore, it has been classified as a Variant of Uncertain Significance. Advanced modeling of protein sequence and biophysical properties (such as structural, functional, and spatial information, amino acid conservation, physicochemical variation, residue mobility, and thermodynamic stability) performed at Invitae indicates that this missense variant is not expected to disrupt BRCA2 protein function. ClinVar contains an entry for this variant (Variation ID: 182184). This variant has not been reported in the literature in individuals affected with BRCA2-related conditions. This variant is not present in population databases (gnomAD no frequency). This sequence change replaces serine, which is neutral and polar, with glycine, which is neutral and non-polar, at codon 451 of the BRCA2 protein (p.Ser451Gly).

GeneDx
Classification: Uncertain significance. Last evaluated: 2014-01-06. Review status: criteria provided, single submitter. Criteria: GeneDx Variant Classification (06012015). Collection method: clinical testing. Allele origin: germline. Affected: yes.
Comment: This variant is denoted BRCA2 c.1351A>G at the cDNA level, p.Ser451Gly (S451G) at the protein level, and results in the change of a Serine to a Glycine (AGC>GGC). This variant has not, to our knowledge, been published in the literature as pathogenic or benign. BRCA2 Ser451Gly was not observed in approximately 6,500 individuals of European and African American ancestry in the NHLBI Exome Sequencing Project, indicating it is not a common benign variant in these populations. This variant is a non-conservative substitution in which a neutral polar amino acid is replaced with a neutral non-polar one, altering a position that is only moderately conserved throughout evolution and is not located in a known functional domain (UniProt). In silico analyses predict this variant to have a benign effect on protein structure and function. Based on the currently available information, we consider BRCA2 Ser451Gly to be a variant of uncertain significance.